The following is an entry in ClinVar:

NM_001037.5(SCN1B):c.3G>C (p.Met1Ile)

Gene: SCN1B (sodium voltage-gated channel beta subunit 1; plus strand). Cytogenetic location: 19q13.11.
Variant type: single nucleotide variant.
Coding change: c.3G>C on transcript NM_001037.5 (MANE Select); coding-DNA position 3, G replaced by C.
Protein change: p.Met1Ile; changes the start codon (methionine 1).
Molecular consequence: missense variant, initiator codon variant.
Genome position (GRCh38, 1-based): chr19:35,030,823, G>C. VCF-style: chr19-35030823-G-C. GRCh37 (hg19) VCF-style: chr19-35521727-G-C.
Other names: c.3G>C (NM_001037.4); c.3G>C, p.Met1Ile (NM_199037.5); short protein forms M1I.
Identifiers: ClinVar variation 1040220 (VCV001040220.8), dbSNP rs2064208424, ClinGen allele CA405327780.

ClinVar aggregate classification (germline): Conflicting classifications of pathogenicity. Review status: criteria provided, conflicting classifications (1 of 4 stars). 2 submissions from 2 submitters: Pathogenic (1); Uncertain significance (1). Last evaluated 2024-03-03.

Conditions:
Brugada syndrome 5 (BRGDA5). Identifiers: Orphanet 130, Orphanet 871, MedGen C2748541, MONDO:0013015, OMIM 612838.

Allele frequency attached by ClinVar (database versions not stated): gnomAD 0.00001.

Submissions (2):

Labcorp Genetics (formerly Invitae), Labcorp
Classification: Pathogenic for Brugada syndrome 5. Last evaluated: 2024-03-03. Review status: criteria provided, single submitter. Criteria: Invitae Variant Classification Sherloc (09022015). Collection method: clinical testing. Allele origin: germline.
Comment: This sequence change affects the initiator methionine of the SCN1B mRNA. The next in-frame methionine is located at codon 34. This variant is not present in population databases (gnomAD no frequency). Disruption of the initiator codon has been observed in individuals with clinical features of autosomal dominant SCN1B-related conditions (PMID: 30660056; Invitae). It has also been observed to segregate with disease in related individuals. ClinVar contains an entry for this variant (Variation ID: 1040220). Experimental studies and prediction algorithms are not available or were not evaluated, and the functional significance of this variant is currently unknown. For these reasons, this variant has been classified as Pathogenic.

GeneDx
Classification: Uncertain significance. Last evaluated: 2022-12-07. Review status: criteria provided, single submitter. Criteria: GeneDx Variant Classification Process June 2021. Collection method: clinical testing. Allele origin: germline. Affected: yes.
Comment: Not observed at significant frequency in large population cohorts (gnomAD); Initiation codon variant in a gene for which loss of function is not a known mechanism of disease; Has not been previously published as pathogenic or benign to our knowledge; This variant is associated with the following publications: (PMID: 30660056)

Literature cited by the submitters: PubMed 30660056 (cited by Labcorp Genetics (formerly Invitae), Labcorp).